The following is an entry in ClinVar:

NM_001127222.2(CACNA1A):c.2210T>C (p.Leu737Pro)

Gene: CACNA1A (calcium voltage-gated channel subunit alpha1 A; minus strand). Cytogenetic location: 19p13.13.
Variant type: single nucleotide variant.
Coding change: c.2210T>C on transcript NM_001127222.2 (MANE Select); coding-DNA position 2210, T replaced by C.
Protein change: p.Leu737Pro; replaces leucine 737 with proline.
Molecular consequence: missense variant.
Genome position (GRCh38, 1-based): chr19:13,300,619, A>G on the plus strand (T>C on the coding strand, the complement: CACNA1A is on the minus strand). VCF-style: chr19-13300619-A-G. GRCh37 (hg19) VCF-style: chr19-13411433-A-G.
Other names: c.2222T>C, p.Leu741Pro (NM_000068.4, NM_023035.3); c.2213T>C, p.Leu738Pro (NM_001127221.2, NM_001174080.2); short protein forms L737P, L738P, L741P.
Identifiers: ClinVar variation 960538 (VCV000960538.10), dbSNP rs2057767797, ClinGen allele CA404343970.

ClinVar aggregate classification (germline): Uncertain significance (1 of 4 stars; one submission).

Conditions:
Developmental and epileptic encephalopathy, 42 (DEE42A). Also called: DEVELOPMENTAL AND EPILEPTIC ENCEPHALOPATHY 42A; EPILEPTIC ENCEPHALOPATHY, EARLY INFANTILE, 42A; Epileptic encephalopathy, early infantile, 42. Identifiers: MedGen C4310716, MONDO:0014917, OMIM 617106.
Episodic ataxia type 2 (EA2). Also called: ATAXIA, EPISODIC, WITH NYSTAGMUS; ATAXIA, FAMILIAL PAROXYSMAL; CEREBELLAR ATAXIA, PAROXYSMAL, ACETAZOLAMIDE-RESPONSIVE; ACETAZOLAMIDE-RESPONSIVE HEREDITARY PAROXYSMAL CEREBELLAR ATAXIA; CEREBELLOPATHY, HEREDITARY PAROXYSMAL; EPISODIC ATAXIA, NYSTAGMUS-ASSOCIATED. Identifiers: Orphanet 97, MedGen C1720416, MONDO:0007163, OMIM 108500.

Allele frequency attached by ClinVar (database versions not stated): gnomAD exomes below 0.00001.
gnomAD v4.1: 1 of 1,613,956 alleles (0.000062%); highest among the groups gnomAD compares: Non-Finnish European, 0.000085%; no homozygotes.

Submission:

Labcorp Genetics (formerly Invitae), Labcorp
Classification: Uncertain significance for Developmental and epileptic encephalopathy, 42; Episodic ataxia type 2. Last evaluated: 2019-09-23. Review status: criteria provided, single submitter. Criteria: Invitae Variant Classification Sherloc (09022015). Collection method: clinical testing. Allele origin: germline.
Comment: In summary, the available evidence is currently insufficient to determine the role of this variant in disease. Therefore, it has been classified as a Variant of Uncertain Significance. Algorithms developed to predict the effect of missense changes on protein structure and function are either unavailable or do not agree on the potential impact of this missense change (SIFT: "Deleterious"; PolyPhen-2: "Probably Damaging"; Align-GVGD: "Class C0"). This variant has not been reported in the literature in individuals with CACNA1A-related conditions. This variant is not present in population databases (ExAC no frequency). This sequence change replaces leucine with proline at codon 738 of the CACNA1A protein (p.Leu738Pro). The leucine residue is moderately conserved and there is a moderate physicochemical difference between leucine and proline.